The following is an entry in ClinVar:

NM_018941.4(CLN8):c.518C>T (p.Thr173Ile)

Gene: CLN8 (CLN8 transmembrane ER and ERGIC protein; plus strand). Cytogenetic location: 8p23.3.
Variant type: single nucleotide variant.
Coding change: c.518C>T on transcript NM_018941.4 (MANE Select); coding-DNA position 518, C replaced by T.
Protein change: p.Thr173Ile; replaces threonine 173 with isoleucine.
Molecular consequence: missense variant.
Genome position (GRCh38, 1-based): chr8:1,771,572, C>T. VCF-style: chr8-1771572-C-T. GRCh37 (hg19) VCF-style: chr8-1719738-C-T.
Other names: short protein forms T173I.
Identifiers: ClinVar variation 1714918 (VCV001714918.6), dbSNP rs2486443289, ClinGen allele CA369953732.

ClinVar aggregate classification (germline): Uncertain significance (1 of 4 stars; one submission).

Conditions:
Neuronal ceroid lipofuscinosis. Also called: Neuronal Ceroid Lipofuscinoses. Identifiers: Orphanet 216, Orphanet 79263, MedGen C0027877, MONDO:0016295. Disease mechanism: loss of function.

Submission:

Labcorp Genetics (formerly Invitae), Labcorp
Classification: Uncertain significance for Neuronal ceroid lipofuscinosis. Last evaluated: 2022-08-03. Review status: criteria provided, single submitter. Criteria: Invitae Variant Classification Sherloc (09022015). Collection method: clinical testing. Allele origin: germline.
Comment: Advanced modeling of protein sequence and biophysical properties (such as structural, functional, and spatial information, amino acid conservation, physicochemical variation, residue mobility, and thermodynamic stability) performed at Invitae indicates that this missense variant is expected to disrupt CLN8 protein function. This variant has not been reported in the literature in individuals affected with CLN8-related conditions. This sequence change replaces threonine, which is neutral and polar, with isoleucine, which is neutral and non-polar, at codon 173 of the CLN8 protein (p.Thr173Ile). This variant is not present in population databases (gnomAD no frequency). In summary, the available evidence is currently insufficient to determine the role of this variant in disease. Therefore, it has been classified as a Variant of Uncertain Significance.